The following is an entry in ClinVar:

ClinVar aggregate classification (germline): Likely benign (1 of 4 stars; one submission).

Submission:

CeGaT Center for Human Genetics Tuebingen
Classification: Likely benign. Last evaluated: 2023-04-01. Review status: criteria provided, single submitter. Criteria: CeGaT Center For Human Genetics Tuebingen Variant Classification Criteria Version 2. Collection method: clinical testing. Allele origin: germline. Affected: yes. Observed: 7 variant alleles.
Comment: SETBP1: BS1

NM_015559.3(SETBP1):c.-241dup

Gene: SETBP1 (SET binding protein 1; plus strand). Cytogenetic location: 18q12.3.
Variant type: Duplication.
Coding change: c.-241dup on transcript NM_015559.3 (MANE Select); 241 bases upstream of the start codon, one base duplicated (G; older notation c.-241dupG).
Molecular consequence: 5 prime UTR variant. On other transcripts: intron variant (1).
Genome position (GRCh38, 1-based): chr18:44,680,953, G duplicated; the last of 8 consecutive G bases (chr18:44,680,946-44,680,953); duplicating any one gives the same sequence. VCF-style (leftmost placement, unchanged base first): chr18-44680945-T-TG. GRCh37 (hg19) VCF-style: chr18-42260910-T-TG.
Other names: c.-173+558dup (NM_001130110.2); c.-241dup (LRG_1150t1).
Identifiers: ClinVar variation 326718 (VCV000326718.36), dbSNP rs886053786, ClinGen allele CA10641433.